The following is an entry in ClinVar:

ClinVar aggregate classification (germline): Likely pathogenic. Review status: reviewed by expert panel (3 of 4 stars). 9 submissions from 9 submitters: Likely pathogenic (1). 8 of the submissions do not count toward it. Last evaluated 2023-04-11.

Conditions:
Very long chain acyl-CoA dehydrogenase deficiency (ACADVLD). Also called: Very Long-Chain Acyl-Coenzyme A Dehydrogenase Deficiency; VLCAD Deficiency. Identifiers: Orphanet 26793, MedGen C3887523, MONDO:0008723, OMIM 201475.
ACADVL-related disorder. Also called: ACADVL-related condition.

Allele frequency attached by ClinVar (database versions not stated): ExAC 0.00001; gnomAD 0.00001; gnomAD exomes 0.00001; TOPMed 0.00002.
gnomAD v4.1: 11 of 1,614,026 alleles (0.00068%); highest among the groups gnomAD compares: African/African-American, 0.0013%; no homozygotes.

Submissions (9):

ClinGen ACADVL Variant Curation Expert Panel, ClinGen
Classification: Likely pathogenic for Very long chain acyl-CoA dehydrogenase deficiency. Last evaluated: 2023-04-11. Review status: reviewed by expert panel. Criteria: clingen acadvl acmg specifications v1. Collection method: curation. Allele origin: germline. Inheritance: Autosomal recessive inheritance.
Comment: The c.1468G>C (NM_000018.4) variant in ACADVL is a missense variant predicted to cause substitution of alanine by proline at amino acid 490 (p.Ala490Pro), also known as Ala450Pro when numbered from the mature protein. This variant has been detected in at least 5 individuals with very long chain acyl-CoA dehydrogenase (VLCAD) deficiency. Of those individuals, 2 were compound heterozygous for the variant and distinct pathogenic or likely pathogenic variant, presumed to be in trans (PM3_Supporting, PMID: 26453363, 30194637). This variant has been described in at least 3 unrelated individuals who displayed VLCAD enzyme activity <20%, which is highly specific for VLCAD deficiency (PP4_Moderate, PMID:26453363, 14517516, 30194637). The variant has been reported to segregate with VLCAD deficiency in 2 affected siblings from 1 family (PP1, PMID: 14517516). This variant resides within a region, amino acids 481-516, of ACADVL that is defined as a critical functional domain by the ClinGen ACADVL Variant Curation Expert Panel (PM1, PMID: 18227065, 20060901). A substrate specificity assay showed this variant displays abnormal substrate specificity; however, this assay does not meet the requirements for use by the ClinGen ACADVL Variant Curation Expert Panel (PMID: 9839948). The highest population minor allele frequency in gnomAD v2.1.1 is 0.00004 in the African population, which is lower than the ClinGen ACADVL Variant Curation Expert Panel threshold (<0.001) for PM2_Supporting, meeting this criterion (PM2_Supporting). The computational predictor REVEL gives a score of 0.794, which is above the threshold of 0.75, evidence that correlates with impact to ACADVL function (PP3). In summary, this variant meets the criteria to be classified as likely pathogenic for autosomal recessive VLCAD deficiency based on the ACMG/AMP criteria applied, as specified by the ClinGen ACADVL Variant Curation Expert Panel: PM1, PM2_Supporting, PM3_Supporting, PP1, PP3, PP4_Moderate (ACADVL VCEP specifications version 1; approved November 9, 2021).

Labcorp Genetics (formerly Invitae), Labcorp
Classification: Pathogenic for Very long chain acyl-CoA dehydrogenase deficiency. Last evaluated: 2025-10-16. Review status: criteria provided, single submitter. Criteria: Invitae Variant Classification Sherloc (09022015). Collection method: clinical testing. Allele origin: germline. Not counted in ClinVar's aggregate classification.
Comment: This sequence change replaces alanine, which is neutral and non-polar, with proline, which is neutral and non-polar, at codon 490 of the ACADVL protein (p.Ala490Pro). This variant is present in population databases (rs759775666, gnomAD 0.004%). This missense change has been observed in individual(s) with known or suggested very-long-chain acyl-CoA dehydrogenase (VLCAD) deficiency (PMID: 10077518, 14517516, 26453363). This variant is also known as A450P. ClinVar contains an entry for this variant (Variation ID: 474888). Invitae Evidence Modeling of protein sequence and biophysical properties (such as structural, functional, and spatial information, amino acid conservation, physicochemical variation, residue mobility, and thermodynamic stability) indicates that this missense variant is not expected to disrupt ACADVL protein function with a negative predictive value of 80%. Experimental studies have shown that this missense change affects ACADVL function (PMID: 17374501). For these reasons, this variant has been classified as Pathogenic.

Natera, Inc.
Classification: Likely pathogenic for Very long chain acyl-CoA dehydrogenase deficiency. Last evaluated: 2025-04-26. Review status: criteria provided, single submitter. Criteria: Natera Variant Classification Schema (03/2026). Collection method: clinical testing. Allele origin: germline. Not counted in ClinVar's aggregate classification.
Comment: The c.1468G>C variant in ACADVL is a missense variant predicted to cause substitution of alanine to proline at amino acid 490. This variant is rare in the general population with a frequency below the threshold expected for the associated phenotype(s). This variant has been observed in one or more individuals affected with the associated recessive disease, as either homozygous or compound heterozygous with a second variant (PMID: 38544359, 26453363, 10077518). This variant is located in a functionally critical region of the protein. Computational prediction algorithms indicate this variant is likely to affect gene or protein function. Given the available evidence, this variant is classified as Likely Pathogenic.

Baylor Genetics
Classification: Likely pathogenic for Very long chain acyl-CoA dehydrogenase deficiency. Last evaluated: 2024-03-20. Review status: criteria provided, single submitter. Criteria: ACMG Guidelines, 2015. Collection method: clinical testing. Allele origin: unknown. Not counted in ClinVar's aggregate classification.

Centre for Inherited Metabolic Diseases, Karolinska University Hospital
Classification: Pathogenic for Very long chain acyl-CoA dehydrogenase deficiency. Last evaluated: 2021-04-13. Review status: criteria provided, single submitter. Criteria: ACMG Guidelines, 2015. Collection method: clinical testing. Allele origin: germline. Inheritance: Autosomal recessive inheritance. Affected: yes. Observed: 1 compound heterozygote. Not counted in ClinVar's aggregate classification.

Wong Mito Lab, Molecular and Human Genetics, Baylor College of Medicine
Classification: Pathogenic for Very long chain acyl-CoA dehydrogenase deficiency. Last evaluated: 2019-11-01. Review status: criteria provided, single submitter. Criteria: ACMG Guidelines, 2015. Collection method: clinical testing. Allele origin: germline. Not counted in ClinVar's aggregate classification.
Comment: The NM_000018.3:c.1468G>C (NP_000009.1:p.Ala490Pro) [GRCH38: NC_000017.11:g.7224179G>C] variant in ACADVL gene is interpretated to be Pathogenic based on ACMG guidelines (PMID: 25741868). This variant has been reported in PMID: 9839948; 10077518. This variant meets the following evidence codes reported in the ACMG guidelines: PS1, PS3

CeGaT Center for Human Genetics Tuebingen
Classification: Pathogenic. Last evaluated: 2017-05-01. Review status: criteria provided, single submitter. Criteria: CeGaT Center For Human Genetics Tuebingen Variant Classification Criteria Version 2. Collection method: clinical testing. Allele origin: germline. Affected: yes. Observed: 1 variant allele. Not counted in ClinVar's aggregate classification.

PreventionGenetics, part of Exact Sciences
Classification: Likely pathogenic for ACADVL-related condition. Last evaluated: 2024-08-23. Review status: no assertion criteria provided. Collection method: clinical testing. Allele origin: germline. Not counted in ClinVar's aggregate classification.
Comment: The ACADVL c.1468G>C variant is predicted to result in the amino acid substitution p.Ala490Pro. This variant was reported in multiple patients with clinical and biochemical features consistent with Very long chain acyl-CoA dehydrogenase deficiency (Diekman et al. 2015. PubMed ID: 26453363, Spiekerkoetter et al. 2003. PubMed ID: 14517516, Mathur et al. 1999. PubMed ID: 10077518, Goetzman et al. 2007. PubMed ID: 17374501). This variant is reported in 0.0040% of alleles in individuals of African descent in gnomAD, and is interpreted as likely pathogenic by the ClinGen ACADVL Variant Curation Expert Panel. This variant is interpreted as likely pathogenic.

Counsyl
Classification: Likely pathogenic for Very long chain acyl-CoA dehydrogenase deficiency. Last evaluated: 2016-12-28. Review status: no assertion criteria provided. Collection method: clinical testing. Allele origin: unknown. Not counted in ClinVar's aggregate classification.

Literature cited by the submitters: PubMed 10077518 (cited by 4 submitters); PubMed 14517516 (cited by Labcorp Genetics (formerly Invitae), Labcorp and Counsyl); PubMed 26453363 (cited by 3 submitters); PubMed 17374501 (cited by Labcorp Genetics (formerly Invitae), Labcorp and Counsyl); PubMed 38544359 (cited by Natera, Inc.); PubMed 9839948 (cited by Wong Mito Lab, Molecular and Human Genetics, Baylor College of Medicine and Counsyl).

NM_000018.4(ACADVL):c.1468G>C (p.Ala490Pro)

Genes: ACADVL (acyl-CoA dehydrogenase very long chain; plus strand), DVL2 (dishevelled segment polarity protein 2; minus strand). Cytogenetic location: 17p13.1.
Variant type: single nucleotide variant.
Coding change: c.1468G>C on transcript NM_000018.4 (MANE Select); coding-DNA position 1468, G replaced by C.
Protein change: p.Ala490Pro; replaces alanine 490 with proline.
Molecular consequence: missense variant.
Genome position (GRCh38, 1-based): chr17:7,224,179, G>C. VCF-style: chr17-7224179-G-C. GRCh37 (hg19) VCF-style: chr17-7127498-G-C.
Other names: NM_000018.4(ACADVL):c.1468G>C; p.Ala490Pro; c.1402G>C, p.Ala468Pro (NM_001033859.3); c.1537G>C, p.Ala513Pro (NM_001270447.2); c.1240G>C, p.Ala414Pro (NM_001270448.2); short protein forms A490P, A513P, A414P, A468P.
Identifiers: ClinVar variation 474888 (VCV000474888.72), dbSNP rs759775666, ClinGen allele CA8338123.